The following is an entry in ClinVar:

NM_000179.3(MSH6):c.2365_2367del (p.Asn789del)

Gene: MSH6 (mutS homolog 6; plus strand). Cytogenetic location: 2p16.3.
Variant type: Deletion.
Coding change: c.2365_2367del on transcript NM_000179.3 (MANE Select); coding-DNA positions 2365 to 2367, 3 bases deleted (AAT; older notation c.2365_2367delAAT).
Protein change: p.Asn789del; deletes asparagine 789.
Molecular consequence: inframe deletion.
Genome position (GRCh38, 1-based): chr2:47,800,348-47,800,350, AAT deleted; deleting any 3 consecutive bases within chr2:47,800,347-47,800,350 gives the same sequence; the c. name uses the placement nearest the transcript's 3' end. VCF-style (leftmost placement, unchanged base first): chr2-47800346-TTAA-T. GRCh37 (hg19) VCF-style: chr2-48027485-TTAA-T.
Other names: c.1975_1977del, p.Asn659del (NM_001281492.2); c.1459_1461del, p.Asn487del (NM_001281493.2, NM_001281494.2); short protein forms N487del, N659del, N789del.
Identifiers: ClinVar variation 1063318 (VCV001063318.11), dbSNP rs2104402921, ClinGen allele CA2499216115.

ClinVar aggregate classification (germline): Uncertain significance. Review status: criteria provided, multiple submitters, no conflicts (2 of 4 stars). 2 submissions from 2 submitters: Uncertain significance (2). Last evaluated 2020-03-23.

Conditions:
Hereditary cancer-predisposing syndrome. Also called: Hereditary Cancer Syndrome; Hereditary neoplastic syndrome; Neoplastic Syndromes, Hereditary; Tumor predisposition. Identifiers: Orphanet 140162, MedGen C0027672, MeSH D009386, MONDO:0015356.
Hereditary nonpolyposis colorectal neoplasms. Identifiers: MedGen C0009405, MeSH D003123.

Submissions (2):

Labcorp Genetics (formerly Invitae), Labcorp
Classification: Uncertain significance for Hereditary nonpolyposis colorectal neoplasms. Last evaluated: 2020-03-23. Review status: criteria provided, single submitter. Criteria: Invitae Variant Classification Sherloc (09022015). Collection method: clinical testing. Allele origin: germline.
Comment: This variant, c.2365_2367del, results in the deletion of 1 amino acid(s) of the MSH6 protein (p.Asn789del), but otherwise preserves the integrity of the reading frame. This variant is not present in population databases (ExAC no frequency). This variant has not been reported in the literature in individuals with MSH6-related conditions. Experimental studies and prediction algorithms are not available or were not evaluated, and the functional significance of this variant is currently unknown. In summary, the available evidence is currently insufficient to determine the role of this variant in disease. Therefore, it has been classified as a Variant of Uncertain Significance.

Ambry Genetics
Classification: Uncertain significance for Hereditary cancer-predisposing syndrome. Last evaluated: 2018-11-15. Review status: criteria provided, single submitter. Criteria: Ambry Variant Classification Scheme 2023. Collection method: clinical testing. Allele origin: germline.
Comment: The c.2365_2367delAAT variant (also known as p.N789del) is located in coding exon 4 of the MSH6 gene. This variant results from an in-frame AAT deletion at nucleotide positions 2365 to 2367. This results in the deletion of an asparagine at codon 789. This amino acid position is not well conserved in available vertebrate species. Since supporting evidence is limited at this time, the clinical significance of this alteration remains unclear.